The following is an entry in ClinVar:

ClinVar aggregate classification (germline): Uncertain significance. Review status: criteria provided, multiple submitters, no conflicts (2 of 4 stars). 5 submissions from 5 submitters: Uncertain significance (4). 1 of the submissions does not count toward it. Last evaluated 2024-06-16.

Conditions:
RIN2 syndrome. Also called: TALL FOREHEAD, SPARSE HAIR, SKIN HYPEREXTENSIBILITY, AND SCOLIOSIS; MACS SYNDROME. Identifiers: Orphanet 217335, MedGen C2751321, MONDO:0013115, OMIM 613075.
RIN2-related disorder. Also called: RIN2-related condition.
Inborn genetic diseases. Identifiers: MedGen C0950123, MeSH D030342.

Allele frequency attached by ClinVar (database versions not stated): TOPMed 0.00015; 1000 Genomes Project 0.00020.
gnomAD v4.1: 158 of 1,603,664 alleles (0.0099%); highest among the groups gnomAD compares: Admixed American, 0.053%; no homozygotes.

Submissions (5):

Ambry Genetics
Classification: Uncertain significance for Inborn genetic diseases. Last evaluated: 2024-06-16. Review status: criteria provided, single submitter. Criteria: Ambry Variant Classification Scheme 2023. Collection method: clinical testing. Allele origin: germline.

Labcorp Genetics (formerly Invitae), Labcorp
Classification: Uncertain significance. Last evaluated: 2022-07-18. Review status: criteria provided, single submitter. Criteria: Invitae Variant Classification Sherloc (09022015). Collection method: clinical testing. Allele origin: germline.
Comment: This sequence change replaces proline, which is neutral and non-polar, with glutamine, which is neutral and polar, at codon 308 of the RIN2 protein (p.Pro308Gln). The frequency data for this variant in the population databases is considered unreliable, as metrics indicate poor data quality at this position in the gnomAD database. This variant has not been reported in the literature in individuals affected with RIN2-related conditions. ClinVar contains an entry for this variant (Variation ID: 212056). Algorithms developed to predict the effect of missense changes on protein structure and function are either unavailable or do not agree on the potential impact of this missense change (SIFT: "Deleterious"; PolyPhen-2: "Not Available"; Align-GVGD: "Class C0"). In summary, the available evidence is currently insufficient to determine the role of this variant in disease. Therefore, it has been classified as a Variant of Uncertain Significance.

Fulgent Genetics
Classification: Uncertain significance for RIN2 syndrome. Last evaluated: 2021-07-22. Review status: criteria provided, single submitter. Criteria: ACMG Guidelines, 2015. Collection method: clinical testing. Allele origin: unknown.

Genetic Services Laboratory, University of Chicago
Classification: Uncertain significance. Last evaluated: 2015-04-23. Review status: criteria provided, single submitter. Criteria: ACMG Guidelines, 2015. Collection method: clinical testing. Allele origin: germline.

PreventionGenetics, part of Exact Sciences
Classification: Uncertain significance for RIN2-related condition. Last evaluated: 2024-03-29. Review status: no assertion criteria provided. Collection method: clinical testing. Allele origin: germline. Not counted in ClinVar's aggregate classification.
Comment: The RIN2 c.1070C>A variant is predicted to result in the amino acid substitution p.Pro357Gln. To our knowledge, this variant has not been reported in the literature. This variant is reported in 0.051% of alleles in individuals of Latino descent in gnomAD. Although we suspect that this variant may be benign, at this time, the clinical significance of this variant is uncertain due to the absence of conclusive functional and genetic evidence.

NM_018993.4(RIN2):c.923C>A (p.Pro308Gln)

Gene: RIN2 (Ras and Rab interactor 2; plus strand). Cytogenetic location: 20p11.23.
Variant type: single nucleotide variant.
Coding change: c.923C>A on transcript NM_018993.4 (MANE Select); coding-DNA position 923, C replaced by A.
Protein change: p.Pro308Gln; replaces proline 308 with glutamine.
Molecular consequence: missense variant.
Genome position (GRCh38, 1-based): chr20:19,974,948, C>A. VCF-style: chr20-19974948-C-A. GRCh37 (hg19) VCF-style: chr20-19955592-C-A.
Other names: c.1070C>A, p.Pro357Gln (NM_001242581.2); c.305C>A, p.Pro102Gln (NM_001378238.1); c.1070C>A (NM_001242581.1); short protein forms P308Q, P357Q, P102Q.
Identifiers: ClinVar variation 212056 (VCV000212056.11), dbSNP rs374058245, ClinGen allele CA207095.
Genomic context (GRCh38, chr20:19,974,948, plus strand): 5'-TGAAACGGCCGAGCACAAGGACTCCCAACGCGAATGGCACGGAGCGGACTCGGTCCCCCC[C>A]ACCCAGGCCCCCGCCACCCGCTATTAATAGTCTCCACACAAGCCCTCGGCTGGCCAGGAC-3'
Protein context (NP_061866.1, residues 298-318): ANGTERTRSP[Pro308Gln]PRPPPPAINS